The following is an entry in ClinVar:

ClinVar aggregate classification (germline): Likely pathogenic (1 of 4 stars; one submission).

Conditions:
Fructose-biphosphatase deficiency (FBP1D). Also called: Fructose 1,6 Bisphosphatase Deficiency; Fructose-1,6-Bisphosphatase 1 Deficiency; Fructose-1,6-Diphosphatase Deficiency. Identifiers: Orphanet 348, MedGen C0016756, MONDO:0009251, OMIM 229700.

Submission:

Labcorp Genetics (formerly Invitae), Labcorp
Classification: Likely pathogenic for Fructose-biphosphatase deficiency. Last evaluated: 2024-01-31. Review status: criteria provided, single submitter. Criteria: Invitae Variant Classification Sherloc (09022015). Collection method: clinical testing. Allele origin: germline.
Comment: This sequence change replaces asparagine, which is neutral and polar, with lysine, which is basic and polar, at codon 213 of the FBP1 protein (p.Asn213Lys). This variant is not present in population databases (gnomAD no frequency). This missense change has been observed in individual(s) with fructose-1,6-bisphosphatase deficiency (PMID: 25601412, 34687058). In at least one individual the data is consistent with being in trans (on the opposite chromosome) from a pathogenic variant. Advanced modeling of protein sequence and biophysical properties (such as structural, functional, and spatial information, amino acid conservation, physicochemical variation, residue mobility, and thermodynamic stability) performed at Invitae indicates that this missense variant is expected to disrupt FBP1 protein function with a positive predictive value of 80%. In summary, the currently available evidence indicates that the variant is pathogenic, but additional data are needed to prove that conclusively. Therefore, this variant has been classified as Likely Pathogenic.

Literature cited by the submitters: PubMed 25601412; PubMed 34687058.

NM_000507.4(FBP1):c.639C>A (p.Asn213Lys)

Gene: FBP1 (fructose-bisphosphatase 1; minus strand). Cytogenetic location: 9q22.32.
Variant type: single nucleotide variant.
Coding change: c.639C>A on transcript NM_000507.4 (MANE Select); coding-DNA position 639, C replaced by A.
Protein change: p.Asn213Lys; replaces asparagine 213 with lysine.
Molecular consequence: missense variant.
Genome position (GRCh38, 1-based): chr9:94,606,881, G>T on the plus strand (C>A on the coding strand, the complement: FBP1 is on the minus strand). VCF-style: chr9-94606881-G-T. GRCh37 (hg19) VCF-style: chr9-97369163-G-T.
Other names: c.639C>A, p.Asn213Lys (NM_001127628.2); short protein forms N213K.
Identifiers: ClinVar variation 2710984 (VCV002710984.3), dbSNP rs762007074, ClinGen allele CA374106838.